The following is an entry in ClinVar:

ClinVar aggregate classification (germline): Likely benign. Review status: criteria provided, multiple submitters, no conflicts (2 of 4 stars). 2 submissions from 2 submitters: Likely benign (2). Last evaluated 2025-08-25.

gnomAD v4.1: 11 of 1,511,644 alleles (0.00073%); highest among the groups gnomAD compares: East Asian, 0.0047%; no homozygotes.

Submissions (2):

Labcorp Genetics (formerly Invitae), Labcorp
Classification: Likely benign. Last evaluated: 2025-08-25. Review status: criteria provided, single submitter. Criteria: Invitae Variant Classification Sherloc (09022015). Collection method: clinical testing. Allele origin: germline.

CeGaT Center for Human Genetics Tuebingen
Classification: Likely benign. Last evaluated: 2022-08-01. Review status: criteria provided, single submitter. Criteria: CeGaT Center For Human Genetics Tuebingen Variant Classification Criteria Version 2. Collection method: clinical testing. Allele origin: germline. Affected: yes. Observed: 1 variant allele.
Comment: ZCCHC8: PM2:Supporting, BP4, BP7

NM_017612.5(ZCCHC8):c.1425C>A (p.Leu475=)

Gene: ZCCHC8 (zinc finger CCHC-type containing 8; minus strand). Cytogenetic location: 12q24.31.
Variant type: single nucleotide variant.
Coding change: c.1425C>A on transcript NM_017612.5 (MANE Select); coding-DNA position 1425, C replaced by A.
Protein change: p.Leu475=; no amino-acid change (leucine 475 retained).
Molecular consequence: synonymous variant.
Genome position (GRCh38, 1-based): chr12:122,474,196, G>T on the plus strand (C>A on the coding strand, the complement: ZCCHC8 is on the minus strand). VCF-style: chr12-122474196-G-T. GRCh37 (hg19) VCF-style: chr12-122958743-G-T.
Other names: c.1194C>A, p.Leu398= (NM_001350935.2); c.1128C>A, p.Leu376= (NM_001350936.2); c.711C>A, p.Leu237= (NM_001350937.2, NM_001350938.2).
Identifiers: ClinVar variation 2643499 (VCV002643499.27), dbSNP rs1040911718, ClinGen allele CA244748780.